The following is an entry in ClinVar:

NM_024642.5(GALNT12):c.608A>G (p.Asn203Ser)

Gene: GALNT12 (polypeptide N-acetylgalactosaminyltransferase 12; plus strand). Cytogenetic location: 9q22.33.
Variant type: single nucleotide variant.
Coding change: c.608A>G on transcript NM_024642.5 (MANE Select); coding-DNA position 608, A replaced by G.
Protein change: p.Asn203Ser; replaces asparagine 203 with serine.
Molecular consequence: missense variant.
Genome position (GRCh38, 1-based): chr9:98,826,818, A>G. VCF-style: chr9-98826818-A-G. GRCh37 (hg19) VCF-style: chr9-101589100-A-G.
Other names: short protein forms N203S.
Identifiers: ClinVar variation 410578 (VCV000410578.20), dbSNP rs375844934, ClinGen allele CA5154002.

ClinVar aggregate classification (germline): Conflicting classifications of pathogenicity. Review status: criteria provided, conflicting classifications (1 of 4 stars). 6 submissions from 6 submitters: Uncertain significance (4); Likely benign (2). Last evaluated 2026-01-16.

Conditions:
Colorectal cancer, susceptibility to, 1. Also called: COLORECTAL ADENOMA AND CANCER, SUSCEPTIBILITY TO; COLORECTAL CANCER, SUSCEPTIBILITY TO, ON CHROMOSOME 9. Identifiers: MedGen C1837315, MONDO:0012132, OMIM 608812.

Allele frequency attached by ClinVar (database versions not stated): gnomAD 0.00007; TOPMed 0.00010; ExAC 0.00012; ESP Exome Variant Server 0.00015; 1000 Genomes Project 30x 0.00016; 1000 Genomes Project 0.00020.
gnomAD v4.1: 132 of 1,612,202 alleles (0.0082%); highest among the groups gnomAD compares: East Asian, 0.027%; no homozygotes.

Submissions (6):

Labcorp Genetics (formerly Invitae), Labcorp
Classification: Uncertain significance. Last evaluated: 2026-01-16. Review status: criteria provided, single submitter. Criteria: Invitae Variant Classification Sherloc (09022015). Collection method: clinical testing. Allele origin: germline.
Comment: This sequence change replaces asparagine, which is neutral and polar, with serine, which is neutral and polar, at codon 203 of the GALNT12 protein (p.Asn203Ser). This variant is present in population databases (rs375844934, gnomAD 0.04%), and has an allele count higher than expected for a pathogenic variant. This variant has not been reported in the literature in individuals affected with GALNT12-related conditions. ClinVar contains an entry for this variant (Variation ID: 410578). Invitae Evidence Modeling of protein sequence and biophysical properties (such as structural, functional, and spatial information, amino acid conservation, physicochemical variation, residue mobility, and thermodynamic stability) indicates that this missense variant is not expected to disrupt GALNT12 protein function with a negative predictive value of 80%. In summary, the available evidence is currently insufficient to determine the role of this variant in disease. Therefore, it has been classified as a Variant of Uncertain Significance.

Quest Diagnostics Nichols Institute San Juan Capistrano
Classification: Likely benign. Last evaluated: 2025-01-10. Review status: criteria provided, single submitter. Criteria: Quest Diagnostics criteria. Collection method: clinical testing. Allele origin: unknown.

Department of Pathology and Laboratory Medicine, Sinai Health System
Classification: Uncertain significance for Colorectal cancer, susceptibility to, 1. Last evaluated: 2024-04-17. Review status: criteria provided, single submitter. Criteria: ACMG Guidelines, 2015. Collection method: clinical testing. Allele origin: germline.

Ambry Genetics
Classification: Likely benign. Last evaluated: 2024-03-25. Review status: criteria provided, single submitter. Criteria: Ambry Variant Classification Scheme 2023. Collection method: clinical testing. Allele origin: germline.

Fulgent Genetics
Classification: Uncertain significance for Colorectal cancer, susceptibility to, 1. Last evaluated: 2022-01-22. Review status: criteria provided, single submitter. Criteria: ACMG Guidelines, 2015. Collection method: clinical testing. Allele origin: unknown.

Institute for Clinical Genetics, University Hospital TU Dresden, University Hospital TU Dresden
Classification: Uncertain significance. Last evaluated: 2021-11-03. Review status: criteria provided, single submitter. Criteria: ACMG Guidelines, 2015. Collection method: clinical testing. Allele origin: germline.